The following is an entry in ClinVar:

ClinVar aggregate classification (germline): Pathogenic (1 of 4 stars; one submission).

Conditions:
Ichthyosis linearis circumflexa. Identifiers: MedGen C0265962, MONDO:0043106, HP:0025810.

Submission:

Labcorp Genetics (formerly Invitae), Labcorp
Classification: Pathogenic for Ichthyosis linearis circumflexa. Last evaluated: 2022-04-12. Review status: criteria provided, single submitter. Criteria: Invitae Variant Classification Sherloc (09022015). Collection method: clinical testing. Allele origin: germline.
Comment: For these reasons, this variant has been classified as Pathogenic. This variant has not been reported in the literature in individuals affected with SPINK5-related conditions. This variant is not present in population databases (gnomAD no frequency). This sequence change creates a premature translational stop signal (p.Glu73Lysfs*11) in the SPINK5 gene. It is expected to result in an absent or disrupted protein product. Loss-of-function variants in SPINK5 are known to be pathogenic (PMID: 11511292, 11841556).

Literature cited by the submitters: PubMed 11511292; PubMed 11841556.

NM_006846.4(SPINK5):c.216del (p.Glu73fs)

Gene: SPINK5 (serine peptidase inhibitor Kazal type 5; plus strand). Cytogenetic location: 5q32.
Variant type: Deletion.
Coding change: c.216del on transcript NM_006846.4 (MANE Select); coding-DNA position 216, one base deleted (A; older notation c.216delA).
Protein change: p.Glu73fs; shifts the reading frame from glutamic acid 73.
Molecular consequence: frameshift variant.
Genome position (GRCh38, 1-based): chr5:148,072,154, A deleted; the last of 5 consecutive A bases (chr5:148,072,150-148,072,154); deleting any one gives the same sequence. VCF-style (leftmost placement, unchanged base first): chr5-148072149-GA-G. GRCh37 (hg19) VCF-style: chr5-147451712-GA-G.
Other names: c.216del, p.Glu73fs (NM_001127698.2, NM_001127699.2); short protein forms E73fs.
Identifiers: ClinVar variation 2144040 (VCV002144040.4), dbSNP rs2531649877, ClinGen allele CA563750034.